The following is an entry in ClinVar:

ClinVar aggregate classification (germline): Uncertain significance (1 of 4 stars; one submission).

Submission:

Labcorp Genetics (formerly Invitae), Labcorp
Classification: Uncertain significance. Last evaluated: 2022-07-12. Review status: criteria provided, single submitter. Criteria: Invitae Variant Classification Sherloc (09022015). Collection method: clinical testing. Allele origin: germline.
Comment: Algorithms developed to predict the effect of missense changes on protein structure and function are either unavailable or do not agree on the potential impact of this missense change (SIFT: "Deleterious"; PolyPhen-2: "Probably Damaging"; Align-GVGD: "Class C15"). This variant has not been reported in the literature in individuals affected with ATF6-related conditions. This variant is not present in population databases (gnomAD no frequency). This sequence change replaces leucine, which is neutral and non-polar, with serine, which is neutral and polar, at codon 385 of the ATF6 protein (p.Leu385Ser). In summary, the available evidence is currently insufficient to determine the role of this variant in disease. Therefore, it has been classified as a Variant of Uncertain Significance.

NM_007348.4(ATF6):c.1154T>C (p.Leu385Ser)

Gene: ATF6 (activating transcription factor 6; plus strand). Cytogenetic location: 1q23.3.
Variant type: single nucleotide variant.
Coding change: c.1154T>C on transcript NM_007348.4 (MANE Select); coding-DNA position 1154, T replaced by C.
Protein change: p.Leu385Ser; replaces leucine 385 with serine.
Molecular consequence: missense variant.
Genome position (GRCh38, 1-based): chr1:161,821,128, T>C. VCF-style: chr1-161821128-T-C. GRCh37 (hg19) VCF-style: chr1-161790918-T-C.
Other names: c.1154T>C, p.Leu385Ser (NM_001410890.1); short protein forms L385S.
Identifiers: ClinVar variation 2043419 (VCV002043419.4), dbSNP rs2525244731, ClinGen allele CA343374427.